The following is an entry in ClinVar:

NM_001354604.2(MITF):c.1230G>A (p.Thr410=)

Gene: MITF (melanocyte inducing transcription factor; plus strand). Cytogenetic location: 3p13.
Variant type: single nucleotide variant.
Coding change: c.1230G>A on transcript NM_001354604.2 (MANE Select); coding-DNA position 1230, G replaced by A.
Protein change: p.Thr410=; no amino-acid change (threonine 410 retained).
Molecular consequence: synonymous variant.
Genome position (GRCh38, 1-based): chr3:69,964,897, G>A. VCF-style: chr3-69964897-G-A. GRCh37 (hg19) VCF-style: chr3-70014048-G-A.
Other names: c.909G>A, p.Thr303= (NM_000248.4); c.1056G>A, p.Thr352= (NM_001184967.2, NM_001354608.2); c.1227G>A, p.Thr409= (NM_001354605.2); c.1209G>A, p.Thr403= (NM_001354606.2, NM_006722.3); c.1161G>A, p.Thr387= (NM_001354607.2); c.891G>A, p.Thr297= (NM_198158.3); c.1212G>A, p.Thr404= (NM_198159.3); c.1164G>A, p.Thr388= (NM_198177.3); and 2 more.
Identifiers: ClinVar variation 381604 (VCV000381604.11), dbSNP rs1057521096, ClinGen allele CA16604634.

ClinVar aggregate classification (germline): Pathogenic/Likely pathogenic. Review status: criteria provided, multiple submitters, no conflicts (2 of 4 stars). 6 submissions from 6 submitters: Pathogenic (5); Likely pathogenic (1). Last evaluated 2024-01-08.

Conditions:
Melanoma, cutaneous malignant, susceptibility to, 8. Also called: Cutaneous malignant melanoma 8; MELANOMA AND RENAL CELL CARCINOMA, SUSCEPTIBILITY TO. Identifiers: Orphanet 293822, MedGen C3152204, MONDO:0013759, OMIM 614456.
Tietz syndrome (TADS). Also called: ALBINISM-DEAFNESS OF TIETZ; TIETZ ALBINISM-DEAFNESS SYNDROME; HYPOPIGMENTATION/DEAFNESS OF TIETZ. Identifiers: Orphanet 42665, MedGen C0391816, MONDO:0007077, OMIM 103500.
Waardenburg syndrome type 2A (WS2A). Also called: WAARDENBURG SYNDROME WITHOUT DYSTOPIA CANTHORUM. Identifiers: Orphanet 3440, MedGen C1860339, MONDO:0008671, OMIM 193510.
Waardenburg syndrome type 2. Identifiers: Orphanet 895, MedGen C2700265, MONDO:0019517.

Submissions (6):

Women's Health and Genetics/Laboratory Corporation of America, LabCorp
Classification: Pathogenic for Waardenburg syndrome type 2. Last evaluated: 2024-01-08. Review status: criteria provided, single submitter. Criteria: LabCorp Variant Classification Summary - May 2015. Collection method: clinical testing. Allele origin: germline.
Comment: Variant summary: MITF c.909G>A alters a non-conserved nucleotide resulting in a synonymous change. Several computational tools predict a significant impact on normal splicing: Four predict the variant creates a cryptic 3' splice acceptor site. At least one publication reports experimental evidence that this variant affects mRNA splicing (Brenner_2011). The variant was absent in 251358 control chromosomes (gnomAD). c.909G>A has been reported in the literature in multiple individuals affected with Waardenburg Syndrome with evidence of cosegregation with disease (Brenner_2011). These data indicate that the variant is very likely to be associated with disease. The following publication has been ascertained in the context of this evaluation (PMID: 21438779). ClinVar contains an entry for this variant (Variation ID: 381604). Based on the evidence outlined above, the variant was classified as pathogenic.

Labcorp Genetics (formerly Invitae), Labcorp
Classification: Pathogenic for Melanoma, cutaneous malignant, susceptibility to, 8; Waardenburg syndrome type 2A; Tietz syndrome. Last evaluated: 2023-07-12. Review status: criteria provided, single submitter. Criteria: Invitae Variant Classification Sherloc (09022015). Collection method: clinical testing. Allele origin: germline.
Comment: This variant is also known as c.1212G>A. This variant has been observed in individuals with autosomal dominant Waardenburg syndrome (PMID: 21438779, 29115496). It has also been observed to segregate with disease in related individuals. This variant is not present in population databases (gnomAD no frequency). This sequence change affects codon 303 of the MITF mRNA. It is a 'silent' change, meaning that it does not change the encoded amino acid sequence of the MITF protein. ClinVar contains an entry for this variant (Variation ID: 381604). For these reasons, this variant has been classified as Pathogenic. Algorithms developed to predict the effect of sequence changes on RNA splicing suggest that this variant may disrupt the consensus splice site.

Clinical Genetics Laboratory, Skane University Hospital Lund
Classification: Pathogenic. Last evaluated: 2022-05-27. Review status: criteria provided, single submitter. Criteria: ACMG Guidelines, 2015. Collection method: clinical testing. Allele origin: germline. Affected: yes.

GeneDx
Classification: Pathogenic. Last evaluated: 2022-05-13. Review status: criteria provided, single submitter. Criteria: GeneDx Variant Classification Process June 2021. Collection method: clinical testing. Allele origin: germline. Affected: yes.
Comment: Published cDNA study in an affected individual demonstrates that variant leads to abnormal gene splicing and a loss of the first 52 base pairs in exon 9 in half of the transcripts, ultimately leading to a frameshift and replacement of the last 133 amino acids with 7 incorrect amino acids (Brenner et al., 2011); Not observed in large population cohorts (gnomAD); In silico analysis, which includes splice predictors and evolutionary conservation, suggests this variant may impact gene splicing.; This variant is associated with the following publications: (PMID: 29115496, 29986705, 21438779, 31706454)

Baylor Genetics
Classification: Likely pathogenic for Waardenburg syndrome type 2A. Last evaluated: 2019-08-08. Review status: criteria provided, single submitter. Criteria: ACMG Guidelines, 2015. Collection method: clinical testing. Allele origin: unknown. Affected: yes.
Comment: This variant was determined to be likely pathogenic according to ACMG Guidelines, 2015 [PMID:25741868]. This variant has been previously reported to segregate with Waardenburg syndrome in a large family in which affected individuals had hearing loss and variable expression of premature graying [PMID: 21438779] Sequencing of c.909 G>A variant cDNA extracted from an affected individual demonstrated a loss of the first 52 base pairs in exon 9 in half of the transcripts [PMID: 21438779]

Genetic Testing Center for Deafness, Department of Otolaryngology Head & Neck Surgery, Institute of Otolaryngology, Chinese PLA General Hospital
Classification: Pathogenic for Waardenburg syndrome type 2A. Last evaluated: 2019-01-01. Review status: criteria provided, single submitter. Criteria: ACMG Guidelines, 2015. Collection method: clinical testing. Allele origin: inherited. Affected: yes.

Literature cited by the submitters: PubMed 21438779 (cited by 3 submitters); PubMed 29115496 (cited by Labcorp Genetics (formerly Invitae), Labcorp).